The following is an entry in ClinVar:

NM_145893.3(RBFOX1):c.4C>G (p.Leu2Val)

Gene: RBFOX1 (RNA binding fox-1 homolog 1; plus strand). Cytogenetic location: 16p13.3.
Variant type: single nucleotide variant.
Coding change: c.4C>G on transcript NM_145893.3 (MANE Plus Clinical); coding-DNA position 4, C replaced by G.
Protein change: p.Leu2Val; replaces leucine 2 with valine.
Molecular consequence: missense variant. On other transcripts: intron variant (5).
Genome position (GRCh38, 1-based): chr16:7,333,005, C>G. VCF-style: chr16-7333005-C-G. GRCh37 (hg19) VCF-style: chr16-7383006-C-G.
Other names: c.4C>G, p.Leu2Val (NM_145891.3, NM_145892.3); c.28-185142C>G (NM_001364800.2, NM_018723.4, NM_001142333.2 and 1 more transcripts); c.157-185142C>G (NM_001308117.1); short protein forms L2V.
Identifiers: ClinVar variation 1520387 (VCV001520387.8), dbSNP rs1196867548, ClinGen allele CA394795165.

ClinVar aggregate classification (germline): Uncertain significance (1 of 4 stars; one submission).

Conditions:
Idiopathic generalized epilepsy. Also called: Generalised epilepsy; EIG. Identifiers: MedGen C0270850, MONDO:0005579, OMIM 600669.

Allele frequency attached by ClinVar (database versions not stated): TOPMed 0.00001.
gnomAD v4.1: 7 of 1,613,686 alleles (0.00043%); highest among the groups gnomAD compares: Non-Finnish European, 0.00059%; no homozygotes.

Submission:

Labcorp Genetics (formerly Invitae), Labcorp
Classification: Uncertain significance for Idiopathic generalized epilepsy. Last evaluated: 2022-02-08. Review status: criteria provided, single submitter. Criteria: Invitae Variant Classification Sherloc (09022015). Collection method: clinical testing. Allele origin: germline.
Comment: In summary, the available evidence is currently insufficient to determine the role of this variant in disease. Therefore, it has been classified as a Variant of Uncertain Significance. Algorithms developed to predict the effect of missense changes on protein structure and function are either unavailable or do not agree on the potential impact of this missense change (SIFT: "Tolerated"; PolyPhen-2: "Probably Damaging"; Align-GVGD: "Class C0"). This variant has not been reported in the literature in individuals affected with RBFOX1-related conditions. This variant is not present in population databases (gnomAD no frequency). This sequence change replaces leucine, which is neutral and non-polar, with valine, which is neutral and non-polar, at codon 2 of the RBFOX1 protein (p.Leu2Val).